The following is an entry in ClinVar:

ClinVar aggregate classification (germline): Uncertain significance (1 of 4 stars; one submission).

Submission:

Labcorp Genetics (formerly Invitae), Labcorp
Classification: Uncertain significance. Last evaluated: 2023-02-21. Review status: criteria provided, single submitter. Criteria: Invitae Variant Classification Sherloc (09022015). Collection method: clinical testing. Allele origin: germline.
Comment: This sequence change replaces glutamine, which is neutral and polar, with arginine, which is basic and polar, at codon 1157 of the CACNA1F protein (p.Gln1157Arg). In summary, the available evidence is currently insufficient to determine the role of this variant in disease. Therefore, it has been classified as a Variant of Uncertain Significance. Algorithms developed to predict the effect of sequence changes on RNA splicing suggest that this variant may disrupt the consensus splice site. An algorithm developed to predict the effect of missense changes on protein structure and function (PolyPhen-2) suggests that this variant is likely to be tolerated. This missense change has been observed in individuals with CACNA1F-related conditions (PMID: 30825406; Invitae). This variant is not present in population databases (gnomAD no frequency).

Literature cited by the submitters: PubMed 30825406.

NM_001256789.3(CACNA1F):c.3437A>G (p.Gln1146Arg)

Gene: CACNA1F (calcium voltage-gated channel subunit alpha1 F; minus strand). Cytogenetic location: Xp11.23.
Variant type: single nucleotide variant.
Coding change: c.3437A>G on transcript NM_001256789.3 (MANE Select); coding-DNA position 3437, A replaced by G.
Protein change: p.Gln1146Arg; replaces glutamine 1146 with arginine.
Molecular consequence: missense variant.
Genome position (GRCh38, 1-based): chrX:49,215,343, T>C on the plus strand (A>G on the coding strand, the complement: CACNA1F is on the minus strand). VCF-style: chrX-49215343-T-C. GRCh37 (hg19) VCF-style: chrX-49071803-T-C.
Other names: c.3275A>G, p.Gln1092Arg (NM_001256790.3); c.3470A>G, p.Gln1157Arg (NM_005183.4); short protein forms Q1092R, Q1146R, Q1157R.
Identifiers: ClinVar variation 2907577 (VCV002907577.3), dbSNP rs2520870897, ClinGen allele CA412963375.
Genomic context (GRCh38, chrX:49,215,343, plus strand): 5'-CTGAGGCAAGGAGGGAAGGGTTGGTGACCATCCATAGGGGGTCAGGGGTCAGAGGTCACC[T>C]GGTTCTTGTCCAGCTCACAGTTTTGGTACTCCTGCTCGCCCTGGGCACGGAAAGTGATGA-3'
Protein context (NP_001243718.1, residues 1136-1156): EYQNCELDKN[Gln1146Arg]RQCVEYALKA